The following is an entry in ClinVar:

ClinVar aggregate classification (germline): Uncertain significance (1 of 4 stars; one submission).

Submission:

GeneDx
Classification: Uncertain significance. Last evaluated: 2022-10-14. Review status: criteria provided, single submitter. Criteria: GeneDx Variant Classification Process June 2021. Collection method: clinical testing. Allele origin: germline. Affected: yes.
Comment: Not observed at significant frequency in large population cohorts (gnomAD); In silico analysis supports that this missense variant has a deleterious effect on protein structure/function; Has not been previously published as pathogenic or benign to our knowledge

NM_001386298.1(CIC):c.7313C>T (p.Pro2438Leu)

Gene: CIC (capicua transcriptional repressor; plus strand). Cytogenetic location: 19q13.2.
Variant type: single nucleotide variant.
Coding change: c.7313C>T on transcript NM_001386298.1 (MANE Select); coding-DNA position 7313, C replaced by T.
Protein change: p.Pro2438Leu; replaces proline 2438 with leucine.
Molecular consequence: missense variant.
Genome position (GRCh38, 1-based): chr19:42,294,950, C>T. VCF-style: chr19-42294950-C-T. GRCh37 (hg19) VCF-style: chr19-42799102-C-T.
Other names: c.7313C>T, p.Pro2438Leu (NM_001304815.2); c.7310C>T, p.Pro2437Leu (NM_001379480.1, NM_001379482.1, NM_001379483.1); c.4580C>T, p.Pro1527Leu (NM_001379484.1); c.4577C>T, p.Pro1526Leu (NM_001379485.1); c.4586C>T, p.Pro1529Leu (NM_015125.5); short protein forms P1526L, P1527L, P1529L, P2437L, P2438L.
Identifiers: ClinVar variation 2499418 (VCV002499418.1), dbSNP rs2514104013, ClinGen allele CA406124882.